The following is an entry in ClinVar:

NM_018136.5(ASPM):c.2173+251C>T

Gene: ASPM (assembly factor for spindle microtubules; minus strand). Cytogenetic location: 1q31.3.
Variant type: single nucleotide variant.
Coding change: c.2173+251C>T on transcript NM_018136.5 (MANE Select); 251 bases into the intron after coding-DNA position 2173, C replaced by T.
Molecular consequence: intron variant.
Genome position (GRCh38, 1-based): chr1:197,134,845, G>A on the plus strand (C>T on the coding strand, the complement: ASPM is on the minus strand). VCF-style: chr1-197134845-G-A. GRCh37 (hg19) VCF-style: chr1-197103975-G-A.
Other names: c.2173+251C>T (NM_001206846.2).
Identifiers: ClinVar variation 673909 (VCV000673909.1), dbSNP rs877897, ClinGen allele CA10931546.

ClinVar aggregate classification (germline): Benign (1 of 4 stars; one submission).

Allele frequency attached by ClinVar (database versions not stated): TOPMed 0.76518; 1000 Genomes Project 30x 0.76936; gnomAD 0.77165 and 0.78239; 1000 Genomes Project 0.78215.
gnomAD v4.1: 119,329 of 152,228 alleles (78%); highest among the groups gnomAD compares: East Asian, 100%; 50,026 homozygotes.

Submission:

GeneDx
Classification: Benign. Last evaluated: 2018-06-19. Review status: criteria provided, single submitter. Criteria: GeneDx Variant Classification (06012015). Collection method: clinical testing. Allele origin: germline. Affected: yes.
Comment: This variant is considered likely benign or benign based on one or more of the following criteria: it is a conservative change, it occurs at a poorly conserved position in the protein, it is predicted to be benign by multiple in silico algorithms, and/or has population frequency not consistent with disease.